The following is an entry in ClinVar:

ClinVar aggregate classification (germline): Uncertain significance. Review status: criteria provided, multiple submitters, no conflicts (2 of 4 stars). 2 submissions from 2 submitters: Uncertain significance (2). Last evaluated 2025-10-13.

Conditions:
Cardiovascular phenotype. Identifiers: MedGen CN230736.

Submissions (2):

Labcorp Genetics (formerly Invitae), Labcorp
Classification: Uncertain significance. Last evaluated: 2025-10-13. Review status: criteria provided, single submitter. Criteria: Invitae Variant Classification Sherloc (09022015). Collection method: clinical testing. Allele origin: germline.
Comment: This sequence change replaces isoleucine, which is neutral and non-polar, with phenylalanine, which is neutral and non-polar, at codon 233 of the TBX20 protein (p.Ile233Phe). This variant is not present in population databases (gnomAD no frequency). This variant has not been reported in the literature in individuals affected with TBX20-related conditions. ClinVar contains an entry for this variant (Variation ID: 2038124). Invitae Evidence Modeling of protein sequence and biophysical properties (such as structural, functional, and spatial information, amino acid conservation, physicochemical variation, residue mobility, and thermodynamic stability) indicates that this missense variant is expected to disrupt TBX20 protein function with a positive predictive value of 80%. In summary, the available evidence is currently insufficient to determine the role of this variant in disease. Therefore, it has been classified as a Variant of Uncertain Significance.

Ambry Genetics
Classification: Uncertain significance for Cardiovascular phenotype. Last evaluated: 2025-08-07. Review status: criteria provided, single submitter. Criteria: Ambry Variant Classification Scheme 2023. Collection method: clinical testing. Allele origin: germline.

NM_001077653.2(TBX20):c.697A>T (p.Ile233Phe)

Gene: TBX20 (T-box transcription factor 20; minus strand). Cytogenetic location: 7p14.2.
Variant type: single nucleotide variant.
Coding change: c.697A>T on transcript NM_001077653.2 (MANE Select); coding-DNA position 697, A replaced by T.
Protein change: p.Ile233Phe; replaces isoleucine 233 with phenylalanine.
Molecular consequence: missense variant.
Genome position (GRCh38, 1-based): chr7:35,240,995, T>A on the plus strand (A>T on the coding strand, the complement: TBX20 is on the minus strand). VCF-style: chr7-35240995-T-A. GRCh37 (hg19) VCF-style: chr7-35280607-T-A.
Other names: c.697A>T, p.Ile233Phe (NM_001166220.1); short protein forms I233F.
Identifiers: ClinVar variation 2038124 (VCV002038124.5), dbSNP rs1342084751, ClinGen allele CA367264139.